The following is an entry in ClinVar:

NM_003072.5(SMARCA4):c.1810G>A (p.Glu604Lys)

Gene: SMARCA4 (SWI/SNF related BAF chromatin remodeling complex subunit ATPase 4; plus strand). Cytogenetic location: 19p13.2.
Variant type: single nucleotide variant.
Coding change: c.1810G>A on transcript NM_003072.5 (MANE Select); coding-DNA position 1810, G replaced by A.
Protein change: p.Glu604Lys; replaces glutamic acid 604 with lysine.
Molecular consequence: missense variant. On other transcripts: non-coding transcript variant (1).
Genome position (GRCh38, 1-based): chr19:10,996,542, G>A. VCF-style: chr19-10996542-G-A. GRCh37 (hg19) VCF-style: chr19-11107218-G-A.
Other names: c.1810G>A, p.Glu604Lys (NM_001128844.3, NM_001128845.2, NM_001128846.2 and 6 more transcripts); short protein forms E604K.
Identifiers: ClinVar variation 1780580 (VCV001780580.5), dbSNP rs2145981777, ClinGen allele CA404064901.

ClinVar aggregate classification (germline): Uncertain significance. Review status: criteria provided, multiple submitters, no conflicts (2 of 4 stars). 3 submissions from 3 submitters: Uncertain significance (3). Last evaluated 2025-06-09.

Conditions:
Hereditary cancer-predisposing syndrome. Also called: Hereditary Cancer Syndrome; Hereditary neoplastic syndrome; Neoplastic Syndromes, Hereditary; Tumor predisposition. Identifiers: Orphanet 140162, MedGen C0027672, MeSH D009386, MONDO:0015356.
Rhabdoid tumor predisposition syndrome 2 (RTPS2). Identifiers: Orphanet 231108, Orphanet 69077, MedGen C2750074, MONDO:0013224, OMIM 613325.

Submissions (3):

Labcorp Genetics (formerly Invitae), Labcorp
Classification: Uncertain significance for Rhabdoid tumor predisposition syndrome 2. Last evaluated: 2025-06-09. Review status: criteria provided, single submitter. Criteria: Invitae Variant Classification Sherloc (09022015). Collection method: clinical testing. Allele origin: germline.
Comment: This sequence change replaces glutamic acid, which is acidic and polar, with lysine, which is basic and polar, at codon 604 of the SMARCA4 protein (p.Glu604Lys). This variant is not present in population databases (gnomAD no frequency). This variant has not been reported in the literature in individuals affected with SMARCA4-related conditions. ClinVar contains an entry for this variant (Variation ID: 1780580). An algorithm developed to predict the effect of missense changes on protein structure and function (PolyPhen-2) suggests that this variant is likely to be tolerated. In summary, the available evidence is currently insufficient to determine the role of this variant in disease. Therefore, it has been classified as a Variant of Uncertain Significance.

Blueprint Genetics
Classification: Uncertain significance. Last evaluated: 2023-05-09. Review status: criteria provided, single submitter. Criteria: ACMG Guidelines, 2015. Collection method: clinical testing. Allele origin: germline.

Ambry Genetics
Classification: Uncertain significance for Hereditary cancer-predisposing syndrome. Last evaluated: 2017-10-18. Review status: criteria provided, single submitter. Criteria: Ambry Variant Classification Scheme 2023. Collection method: clinical testing. Allele origin: germline.
Comment: The p.E604K variant (also known as c.1810G>A), located in coding exon 10 of the SMARCA4 gene, results from a G to A substitution at nucleotide position 1810. The glutamic acid at codon 604 is replaced by lysine, an amino acid with similar properties. This amino acid position is highly conserved in available vertebrate species. In addition, the in silico prediction for this alteration is inconclusive. Since supporting evidence is limited at this time, the clinical significance of this alteration remains unclear.